The following is an entry in ClinVar:

NM_001843.4(CNTN1):c.497-112C>T

Gene: CNTN1 (contactin 1; plus strand). Cytogenetic location: 12q12.
Variant type: single nucleotide variant.
Coding change: c.497-112C>T on transcript NM_001843.4 (MANE Select); 112 bases into the intron before coding-DNA position 497, C replaced by T.
Molecular consequence: intron variant.
Genome position (GRCh38, 1-based): chr12:40,929,684, C>T. VCF-style: chr12-40929684-C-T. GRCh37 (hg19) VCF-style: chr12-41323486-C-T.
Other names: c.497-112C>T (NM_001256063.2, NM_001256064.2); c.464-112C>T (NM_175038.2).
Identifiers: ClinVar variation 679923 (VCV000679923.1), dbSNP rs71449788, ClinGen allele CA235395169.
Genomic context (GRCh38, chr12:40,929,684, plus strand): 5'-TGAAATATGGTACATGTTTAAAAGTGTGCACTGTTTGTCTTGGCTTTCTCCTAACATTTG[C>T]TCCACAATAGCCTTTATTAGATTAAGTGATAGCTTGTTACTAGCCTCTATTAAATTATGT-3'

ClinVar aggregate classification (germline): Likely benign (1 of 4 stars; one submission).

Allele frequency attached by ClinVar (database versions not stated): gnomAD 0.03411 and 0.03518; 1000 Genomes Project 0.03634; TOPMed 0.03655; 1000 Genomes Project 30x 0.03685; gnomAD exomes 0.04452.
gnomAD v4.1: 33,604 of 787,616 alleles (4.3%); highest among the groups gnomAD compares: Middle Eastern, 9.1%; 869 homozygotes.

Submission:

GeneDx
Classification: Likely benign. Last evaluated: 2018-06-19. Review status: criteria provided, single submitter. Criteria: GeneDx Variant Classification (06012015). Collection method: clinical testing. Allele origin: germline. Affected: yes.
Comment: This variant is considered likely benign or benign based on one or more of the following criteria: it is a conservative change, it occurs at a poorly conserved position in the protein, it is predicted to be benign by multiple in silico algorithms, and/or has population frequency not consistent with disease.